The following is an entry in ClinVar:

NM_001851.6(COL9A1):c.1336C>T (p.His446Tyr)

Gene: COL9A1 (collagen type IX alpha 1 chain; minus strand). Cytogenetic location: 6q13.
Variant type: single nucleotide variant.
Coding change: c.1336C>T on transcript NM_001851.6 (MANE Select); coding-DNA position 1336, C replaced by T.
Protein change: p.His446Tyr; replaces histidine 446 with tyrosine.
Molecular consequence: missense variant. On other transcripts: non-coding transcript variant (1).
Genome position (GRCh38, 1-based): chr6:70,266,722, G>A on the plus strand (C>T on the coding strand, the complement: COL9A1 is on the minus strand). VCF-style: chr6-70266722-G-A. GRCh37 (hg19) VCF-style: chr6-70976425-G-A.
Other names: c.607C>T, p.His203Tyr (NM_001377289.1, NM_001377290.1, NM_078485.4); short protein forms H446Y, H203Y.
Identifiers: ClinVar variation 2109993 (VCV002109993.4), dbSNP rs1772041652, ClinGen allele CA364680687.

ClinVar aggregate classification (germline): Uncertain significance (1 of 4 stars; one submission).

Allele frequency attached by ClinVar (database versions not stated): gnomAD 0.00001.
gnomAD v4.1: 1 of 1,612,496 alleles (0.000062%); highest among the groups gnomAD compares: African/African-American, 0.0013%; no homozygotes.

Submission:

Labcorp Genetics (formerly Invitae), Labcorp
Classification: Uncertain significance. Last evaluated: 2022-03-20. Review status: criteria provided, single submitter. Criteria: Invitae Variant Classification Sherloc (09022015). Collection method: clinical testing. Allele origin: germline.
Comment: In summary, the available evidence is currently insufficient to determine the role of this variant in disease. Therefore, it has been classified as a Variant of Uncertain Significance. Advanced modeling of protein sequence and biophysical properties (such as structural, functional, and spatial information, amino acid conservation, physicochemical variation, residue mobility, and thermodynamic stability) performed at Invitae indicates that this missense variant is not expected to disrupt COL9A1 protein function. This variant has not been reported in the literature in individuals affected with COL9A1-related conditions. This variant is not present in population databases (gnomAD no frequency). This sequence change replaces histidine, which is basic and polar, with tyrosine, which is neutral and polar, at codon 446 of the COL9A1 protein (p.His446Tyr).